The following is an entry in ClinVar:

NM_001375524.1(TRRAP):c.5915A>G (p.His1972Arg)

Gene: TRRAP (transformation/transcription domain associated protein; plus strand). Cytogenetic location: 7q22.1.
Variant type: single nucleotide variant.
Coding change: c.5915A>G on transcript NM_001375524.1 (MANE Select); coding-DNA position 5915, A replaced by G.
Protein change: p.His1972Arg; replaces histidine 1972 with arginine.
Molecular consequence: missense variant.
Genome position (GRCh38, 1-based): chr7:98,955,282, A>G. VCF-style: chr7-98955282-A-G. GRCh37 (hg19) VCF-style: chr7-98552905-A-G.
Other names: c.5894A>G, p.His1965Arg (NM_001244580.2); c.5840A>G, p.His1947Arg (NM_003496.4); short protein forms H1947R, H1965R, H1972R.
Identifiers: ClinVar variation 5018321 (VCV005018321.1).

ClinVar aggregate classification (germline): Uncertain significance (1 of 4 stars; one submission).

Submission:

GeneDx
Classification: Uncertain significance. Last evaluated: 2026-04-07. Review status: criteria provided, single submitter. Criteria: GeneDx Variant Classification Process June 2021. Collection method: clinical testing. Allele origin: germline.
Comment: Not observed at significant frequency in large population cohorts (gnomAD); In silico analysis suggests that this missense variant does not alter protein structure/function; Has not been previously published as pathogenic or benign to our knowledge